The following is an entry in ClinVar:

NM_000059.4(BRCA2):c.4529C>A (p.Pro1510His)

Gene: BRCA2 (BRCA2 DNA repair associated; plus strand). Cytogenetic location: 13q13.1.
Variant type: single nucleotide variant.
Coding change: c.4529C>A on transcript NM_000059.4 (MANE Select); coding-DNA position 4529, C replaced by A.
Protein change: p.Pro1510His; replaces proline 1510 with histidine.
Molecular consequence: missense variant. On other transcripts: non-coding transcript variant (1), intron variant (2).
Genome position (GRCh38, 1-based): chr13:32,338,884, C>A. VCF-style: chr13-32338884-C-A. GRCh37 (hg19) VCF-style: chr13-32913021-C-A.
Other names: c.4529C>A, p.Pro1510His (NM_001406719.1, NM_001406720.1); c.1909+5497C>A (NM_001406721.1); c.425-5674C>A (NM_001406722.1); short protein forms P1510H.
Identifiers: ClinVar variation 3226896 (VCV003226896.1), dbSNP rs2137507295, ClinGen allele CA387781694.

ClinVar aggregate classification (germline): Uncertain significance (1 of 4 stars; one submission).

Conditions:
Hereditary cancer-predisposing syndrome. Also called: Neoplastic Syndromes, Hereditary; Tumor predisposition; Hereditary neoplastic syndrome; Hereditary Cancer Syndrome. Identifiers: Orphanet 140162, MedGen C0027672, MeSH D009386, MONDO:0015356.

Submission:

Ambry Genetics
Classification: Uncertain significance for Hereditary cancer-predisposing syndrome. Last evaluated: 2023-11-10. Review status: criteria provided, single submitter. Criteria: Ambry Variant Classification Scheme 2023. Collection method: clinical testing. Allele origin: germline.
Comment: The p.P1510H variant (also known as c.4529C>A), located in coding exon 10 of the BRCA2 gene, results from a C to A substitution at nucleotide position 4529. The proline at codon 1510 is replaced by histidine, an amino acid with similar properties. This amino acid position is conserved. In addition, this alteration is predicted to be tolerated by in silico analysis. Since supporting evidence is limited at this time, the clinical significance of this alteration remains unclear.